The following is an entry in ClinVar:

NM_001080476.3(GRXCR1):c.628-9C>A

Gene: GRXCR1 (glutaredoxin and cysteine rich domain containing 1; plus strand). Cytogenetic location: 4p13.
Variant type: single nucleotide variant.
Coding change: c.628-9C>A on transcript NM_001080476.3 (MANE Select); 9 bases into the intron before coding-DNA position 628, C replaced by A.
Molecular consequence: intron variant.
Genome position (GRCh38, 1-based): chr4:43,020,345, C>A. VCF-style: chr4-43020345-C-A. GRCh37 (hg19) VCF-style: chr4-43022362-C-A.
Other names: IVS2, C-A, -9; c.628-9C>A (NM_001080476.2).
Identifiers: ClinVar variation 193 (VCV000000193.9), dbSNP rs606231120, ClinGen allele CA114031.

ClinVar aggregate classification (germline): Pathogenic/Likely pathogenic. Review status: criteria provided, multiple submitters, no conflicts (2 of 4 stars). 5 submissions from 5 submitters: Pathogenic (2); Likely pathogenic (2). 1 of the submissions does not count toward it. Last evaluated 2026-05-06.

Conditions:
GRXCR1-related disorder. Also called: GRXCR1-related condition.
Autosomal recessive nonsyndromic hearing loss 25. Identifiers: Orphanet 90636, MedGen C1414017, MONDO:0013210, OMIM 613285.

Allele frequency attached by ClinVar (database versions not stated): gnomAD 0.00003.
gnomAD v4.1: 34 of 1,587,308 alleles (0.0021%); highest among the groups gnomAD compares: Non-Finnish European, 0.0029%; no homozygotes.

Submissions (5):

GeneDx
Classification: Likely pathogenic. Last evaluated: 2026-05-06. Review status: criteria provided, single submitter. Criteria: GeneDx Variant Classification Process June 2021. Collection method: clinical testing. Allele origin: germline.
Comment: Reported previously in a patient with hearing impairment; however, a second variant was not identified (PMID: 39333430); RNA studies demonstrate a damaging effect: aberrant splicing resulting in frameshift and premature stop codon (PMID: 20137778); In silico analysis supports a deleterious effect on splicing; Not observed at significant frequency in large population cohorts (gnomAD); This variant is associated with the following publications: (PMID: 25525159, 20137778, 39333430)

PreventionGenetics, part of Exact Sciences
Classification: Likely pathogenic for GRXCR1-related condition. Last evaluated: 2026-02-08. Review status: criteria provided, single submitter. Criteria: ACMG Guidelines, 2015. Collection method: clinical testing. Allele origin: germline.
Comment: The GRXCR1 c.628-9C>A variant is predicted to interfere with splicing. This variant was reported in the homozygous state in three siblings with hearing loss and RNA studies in patient derived lymphoblastoid cells showed this variant creates a cryptic splice acceptor site leading to a frameshift and premature termination (Figure S1, Schraders et al. 2010. PubMed ID: 20137778). This variant is reported in 0.0023% of alleles in individuals of European (Non-Finnish) descent in gnomAD. This variant is interpreted as likely pathogenic.

Labcorp Genetics (formerly Invitae), Labcorp
Classification: Pathogenic. Last evaluated: 2025-05-12. Review status: criteria provided, single submitter. Criteria: Invitae Variant Classification Sherloc (09022015). Collection method: clinical testing. Allele origin: germline.
Comment: This sequence change falls in intron 2 of the GRXCR1 gene. It does not directly change the encoded amino acid sequence of the GRXCR1 protein. RNA analysis indicates that this variant induces altered splicing and may result in an absent or altered protein product. This variant is present in population databases (rs606231120, gnomAD 0.002%). This variant has been observed in individual(s) with autosomal recessive deafness (PMID: 20137778). It has also been observed to segregate with disease in related individuals. ClinVar contains an entry for this variant (Variation ID: 193). Studies have shown that this variant results in additional base pairs leading to a premature stop codon, and produces a non-functional protein and/or introduces a premature termination codon (PMID: 20137778). For these reasons, this variant has been classified as Pathogenic.

Revvity Omics, Revvity
Classification: Pathogenic for Autosomal recessive nonsyndromic hearing loss 25. Last evaluated: 2024-08-08. Review status: criteria provided, single submitter. Criteria: ACMG Guidelines, 2015. Collection method: clinical testing. Allele origin: germline.

OMIM
Classification: Pathogenic for DEAFNESS, AUTOSOMAL RECESSIVE 25. Last evaluated: 2010-02-12. Review status: no assertion criteria provided. Collection method: literature only. Allele origin: germline. Not counted in ClinVar's aggregate classification.

Literature cited by the submitters: PubMed 20137778 (cited by Labcorp Genetics (formerly Invitae), Labcorp and OMIM).